The following is an entry in ClinVar:

ClinVar aggregate classification (germline): Pathogenic (1 of 4 stars; one submission).

Conditions:
Hereditary angioedema type 1 (HAE1). Identifiers: Orphanet 100050, Orphanet 100051, Orphanet 91378, MedGen C2717906, MONDO:0015053, OMIM 106100.

Submission:

DNA-diagnostics Laboratory, Research Centre For Medical Genetics
Classification: Pathogenic for Hereditary angioedema type 1. Last evaluated: 2024-07-21. Review status: criteria provided, single submitter. Criteria: ACMG Guidelines, 2015. Collection method: research. Allele origin: germline. Inheritance: Autosomal dominant inheritance. Affected: yes. Observed: 2 variant alleles.
Comment: According to our observation and the published information of Roche et al., 2005, the c.578T>C variant in SERPING1 meets ACMG/ClinGen SVI guidance criteria to be classified as pathogenic: PP3_Str, PS4_Mod, PP4_Mod, PM2_Sup, PP2

Literature cited by the submitters: PubMed 15971231.

NM_000062.3(SERPING1):c.578T>C (p.Leu193Pro)

Gene: SERPING1 (serpin family G member 1; plus strand). Cytogenetic location: 11q12.1.
Variant type: single nucleotide variant.
Coding change: c.578T>C on transcript NM_000062.3 (MANE Select); coding-DNA position 578, T replaced by C.
Protein change: p.Leu193Pro; replaces leucine 193 with proline.
Molecular consequence: missense variant.
Genome position (GRCh38, 1-based): chr11:57,602,062, T>C. VCF-style: chr11-57602062-T-C. GRCh37 (hg19) VCF-style: chr11-57369535-T-C.
Other names: c.578T>C, p.Leu193Pro (NM_001032295.2); short protein forms L193P.
Identifiers: ClinVar variation 3255486 (VCV003255486.2), dbSNP rs2495430954.